The following is an entry in ClinVar:

NM_004655.4(AXIN2):c.1185G>A (p.Leu395=)

Gene: AXIN2 (axin 2; minus strand). Cytogenetic location: 17q24.1.
Variant type: single nucleotide variant.
Coding change: c.1185G>A on transcript NM_004655.4 (MANE Select); coding-DNA position 1185, G replaced by A.
Protein change: p.Leu395=; no amino-acid change (leucine 395 retained).
Molecular consequence: synonymous variant.
Genome position (GRCh38, 1-based): chr17:65,538,218, C>T on the plus strand (G>A on the coding strand, the complement: AXIN2 is on the minus strand). VCF-style: chr17-65538218-C-T. GRCh37 (hg19) VCF-style: chr17-63534336-C-T.
Other names: c.1185G>A, p.Leu395= (NM_001363813.1).
Identifiers: ClinVar variation 3224350 (VCV003224350.4), dbSNP rs2043977790, ClinGen allele CA501476249.
Genomic context (GRCh38, chr17:65,538,218, plus strand): 5'-CTCACGCCGTGGACGGAAGCAGGAAGAAGGCCTAGGCCGCATTACCTCTCGGATCTGCTG[C>T]AGGCGCTCCTCCAGGCTGTGGCGGCTCTCCAACTCCAGCTTCAGCTTTTCCAGCCTCGAG-3'
Protein context (NP_004646.3, residues 385-405): LESRHSLEER[Leu395=]QQIREDEERE

ClinVar aggregate classification (germline): Benign/Likely benign. Review status: criteria provided, multiple submitters, no conflicts (2 of 4 stars). 3 submissions from 3 submitters: Benign (1); Likely benign (2). Last evaluated 2024-07-01.

Conditions:
Oligodontia-cancer predisposition syndrome. Also called: TOOTH AGENESIS-COLORECTAL CANCER SYNDROME. Identifiers: Orphanet 300576, MedGen C1837750, MONDO:0012075, OMIM 608615. Disease mechanism: loss of function.
Hereditary cancer-predisposing syndrome. Also called: Tumor predisposition; Hereditary neoplastic syndrome; Hereditary Cancer Syndrome; Neoplastic Syndromes, Hereditary. Identifiers: Orphanet 140162, MedGen C0027672, MeSH D009386, MONDO:0015356.

Submissions (3):

Myriad Genetics, Inc.
Classification: Benign for Oligodontia-cancer predisposition syndrome. Last evaluated: 2024-07-01. Review status: criteria provided, single submitter. Criteria: Myriad Autosomal Dominant, Autosomal Recessive and X-Linked Classification Criteria (2023). Collection method: clinical testing. Allele origin: unknown.
Comment: This variant is considered benign. This variant is a silent/synonymous amino acid change and it is not expected to impact splicing.

Labcorp Genetics (formerly Invitae), Labcorp
Classification: Likely benign for Oligodontia-cancer predisposition syndrome. Last evaluated: 2024-04-01. Review status: criteria provided, single submitter. Criteria: Invitae Variant Classification Sherloc (09022015). Collection method: clinical testing. Allele origin: germline.

Ambry Genetics
Classification: Likely benign for Hereditary cancer-predisposing syndrome. Last evaluated: 2023-10-12. Review status: criteria provided, single submitter. Criteria: Ambry Variant Classification Scheme 2023. Collection method: clinical testing. Allele origin: germline.